The following is an entry in ClinVar:

ClinVar aggregate classification (germline): Pathogenic. Review status: reviewed by expert panel (3 of 4 stars). 5 submissions from 5 submitters: Pathogenic (1). 4 of the submissions do not count toward it. Last evaluated 2016-09-08.

Conditions:
Hereditary cancer-predisposing syndrome. Also called: Hereditary Cancer Syndrome; Hereditary neoplastic syndrome; Neoplastic Syndromes, Hereditary; Tumor predisposition. Identifiers: Orphanet 140162, MedGen C0027672, MeSH D009386, MONDO:0015356.
Breast-ovarian cancer, familial, susceptibility to, 1 (BROVCA1). Also called: BRCA1 Hereditary Breast and Ovarian Cancer; OVARIAN CANCER, SUSCEPTIBILITY TO. Identifiers: Orphanet 145, MedGen C2676676, MONDO:0011450, OMIM 604370. Disease mechanism: loss of function.

Submissions (6):

Evidence-based Network for the Interpretation of Germline Mutant Alleles (ENIGMA)
Classification: Pathogenic for Breast-ovarian cancer, familial, susceptibility to, 1. Last evaluated: 2016-09-08. Review status: reviewed by expert panel. Criteria: ENIGMA BRCA1/2 Classification Criteria (2015). Collection method: curation. Allele origin: germline.
Comment: Variant allele predicted to encode a truncated non-functional protein.

Institute of Human Genetics, FAU Erlangen, Friedrich-Alexander-Universität Erlangen-Nürnberg
Classification: Pathogenic. Last evaluated: 2025-03-25. Review status: criteria provided, single submitter. Criteria: Hauer et al. (Genet Med. 2018). Collection method: clinical testing. Allele origin: germline. Inheritance: Unknown mechanism. Affected: yes. Observed: 1 variant allele. Not counted in ClinVar's aggregate classification.
Comment: This variant has been identified by standard clinical testing.

Ambry Genetics
Classification: Pathogenic for Hereditary cancer-predisposing syndrome. Last evaluated: 2020-05-12. Review status: criteria provided, single submitter. Criteria: Ambry Variant Classification Scheme 2023. Collection method: clinical testing. Allele origin: germline. Not counted in ClinVar's aggregate classification.
Comment: The p.E1817* pathogenic mutation (also known as c.5449G>T), located in coding exon 21 of the BRCA1 gene, results from a G to T substitution at nucleotide position 5449. This changes the amino acid from a glutamic acid to a stop codon within coding exon 21. This alteration has been reported in individuals with personal and/or family history consistent with hereditary breast and ovarian cancer syndrome (van der Hout AH et al. Hum. Mutat., 2006 Jul;27:654-66; Rebbeck TR et al. Hum. Mutat., 2018 05;39:593-620). One functional study found that this nucleotide substitution is deleterious in a high throughput genome editing haploid cell survival assay (Findlay GM et al. Nature, 2018 10;562:217-222). In addition to the clinical data presented in the literature, this alteration is expected to result in loss of function by premature protein truncation. As such, this alteration is interpreted as a disease-causing mutation.

Consortium of Investigators of Modifiers of BRCA1/2 (CIMBA), c/o University of Cambridge
Classification: Pathogenic for Breast-ovarian cancer, familial, susceptibility to, 1. Last evaluated: 2015-10-02. Review status: criteria provided, single submitter. Criteria: CIMBA Mutation Classification guidelines May 2016. Collection method: clinical testing. Allele origin: germline. Not counted in ClinVar's aggregate classification.

Breast Cancer Information Core (BIC) (BRCA1)
Classification: Pathogenic for Breast-ovarian cancer, familial 1. Last evaluated: 2002-05-29. Review status: no assertion criteria provided. Collection method: clinical testing. Allele origin: germline. Affected: yes. Observed: 1 variant allele. Not counted in ClinVar's aggregate classification.

Brotman Baty Institute, University of Washington
No classification provided (evidence only). Condition: Breast-ovarian cancer, familial 1. Review status: no classification provided. Collection method: in vitro. Allele origin: not applicable. Functional consequence: functionally_abnormal. Not counted in ClinVar's aggregate classification.
ClinVar note: "not provided" was previously submitted as the classification for the variant. However, the classification appeared to be based only on an observation of functional data so it was converted to no classification on 2025-07-30.

Literature cited by the submitters: PubMed 16683254 (cited by Ambry Genetics); PubMed 29446198 (cited by Ambry Genetics); PubMed 30209399 (cited by Ambry Genetics).

NM_007294.4(BRCA1):c.5449G>T (p.Glu1817Ter)

Gene: BRCA1 (BRCA1 DNA repair associated; minus strand). Cytogenetic location: 17q21.31.
Variant type: single nucleotide variant.
Coding change: c.5449G>T on transcript NM_007294.4 (MANE Select); coding-DNA position 5449, G replaced by T.
Protein change: p.Glu1817Ter; replaces glutamic acid 1817 with a stop codon.
Molecular consequence: nonsense. On other transcripts: missense variant (17), non-coding transcript variant (1).
Genome position (GRCh38, 1-based): chr17:43,047,661, C>A on the plus strand (G>T on the coding strand, the complement: BRCA1 is on the minus strand). VCF-style: chr17-43047661-C-A. GRCh37 (hg19) VCF-style: chr17-41199678-C-A.
Other names: c.5305G>T, p.Glu1769Ter (NM_001407737.1, NM_001407738.1, NM_001407739.1 and 18 more transcripts); c.5302G>T, p.Glu1768Ter (NM_001407838.1, NM_001407839.1, NM_001407841.1 and 12 more transcripts); c.5372G>T, p.Arg1791Ile (NM_001407858.1, NM_001407859.1, NM_001407860.1); c.5369G>T, p.Arg1790Ile (NM_001407861.1); c.5248G>T, p.Glu1750Ter (NM_001407862.1); c.5245G>T, p.Glu1749Ter (NM_001407863.1); c.5242G>T, p.Glu1748Ter (NM_001407874.1, NM_001407875.1); c.5239G>T, p.Glu1747Ter (NM_001407879.1, NM_001407881.1, NM_001407882.1 and 5 more transcripts); and 83 more; short protein forms E1817*, R688I, E1770*, E713*, E1838*, E1704*, E1706*, E1745*.
Identifiers: ClinVar variation 55583 (VCV000055583.10), dbSNP rs80356868, ClinGen allele CA003602.